The following is an entry in ClinVar:

ClinVar aggregate classification (germline): Pathogenic. Review status: criteria provided, single submitter (1 of 4 stars). 2 submissions from 1 submitter: Pathogenic (2). Last evaluated 2023-04-22.

Conditions:
Deficiency of hydroxymethylglutaryl-CoA lyase (HMGCLD). Also called: HMGCL DEFICIENCY; HYDROXYMETHYLGLUTARIC ACIDURIA; HMG-CoA LYASE DEFICIENCY; Defect in leucine metabolism; 3-hydroxy-3-methylglutaric aciduria. Identifiers: Orphanet 20, MedGen C1533587, MONDO:0009520, OMIM 246450.
UDPglucose-4-epimerase deficiency. Also called: GALACTOSEMIA III; GALE DEFICIENCY; UDP-GALACTOSE-4-EPIMERASE DEFICIENCY; Galactose epimerase deficiency; UDPglucose 4-Epimerase Deficiency Disease; Epimerase Deficiency Galactosemia. Identifiers: Orphanet 352, Orphanet 79238, MedGen C0751161, MONDO:0009257, OMIM 230350.

Submissions (2):

Labcorp Genetics (formerly Invitae), Labcorp
Classification: Pathogenic for Deficiency of hydroxymethylglutaryl-CoA lyase. Last evaluated: 2023-04-22. Review status: criteria provided, single submitter. Criteria: Invitae Variant Classification Sherloc (09022015). Collection method: clinical testing. Allele origin: unknown.
Comment: This variant is a gross deletion of the genomic region encompassing exon(s) 3-9 of the HMGCL gene, which includes the termination codon. This deletion extends beyond the assayed region for this gene and therefore may encompass additional genes. While this deletion is not anticipated to lead to nonsense mediated decay, it is expected to alter mRNA translation or result in a truncated protein product. For these reasons, this variant has been classified as Pathogenic. This variant disrupts a region of the HMGCL protein in which other variant(s) (p.His233Arg) have been determined to be pathogenic (PMID: 8798725, 9784232, 14518825, 16330550). This suggests that this is a clinically significant region of the protein, and that variants that disrupt it are likely to be disease-causing. This variant has not been reported in the literature in individuals affected with HMGCL-related conditions.

Labcorp Genetics (formerly Invitae), Labcorp
Classification: Pathogenic for UDPglucose-4-epimerase deficiency. Last evaluated: 2023-04-22. Review status: criteria provided, single submitter. Criteria: Invitae Variant Classification Sherloc (09022015). Collection method: clinical testing. Allele origin: unknown.
Comment: For these reasons, this variant has been classified as Pathogenic. This variant has not been reported in the literature in individuals affected with GALE-related conditions. A gross deletion of the genomic region encompassing the full coding sequence of the GALE gene has been identified. Loss-of-function variants in GALE are known to be pathogenic (PMID: 16301867). The boundaries of this event are unknown as they extend beyond the assayed region for this gene and therefore may encompass additional genes.

Literature cited by the submitters: PubMed 8798725; PubMed 9784232; PubMed 14518825; PubMed 16330550; PubMed 16301867.

NC_000001.10:g.(?_24122439)_(24144093_?)del

Genes: GALE (UDP-galactose-4-epimerase; minus strand), HMGCL (3-hydroxy-3-methylglutaryl-CoA lyase; minus strand). Cytogenetic location: 1p36.11.
Variant type: Deletion.
Identifiers: ClinVar variation 3247677 (VCV003247677.1).